The following is an entry in ClinVar:

NM_000038.6(APC):c.3060A>T (p.Glu1020Asp)

Gene: APC (APC regulator of Wnt signaling pathway; plus strand). Cytogenetic location: 5q22.2.
Variant type: single nucleotide variant.
Coding change: c.3060A>T on transcript NM_000038.6 (MANE Select); coding-DNA position 3060, A replaced by T.
Protein change: p.Glu1020Asp; replaces glutamic acid 1020 with aspartic acid.
Molecular consequence: missense variant.
Genome position (GRCh38, 1-based): chr5:112,838,654, A>T. VCF-style: chr5-112838654-A-T. GRCh37 (hg19) VCF-style: chr5-112174351-A-T.
Other names: c.3060A>T, p.Glu1020Asp (NM_001127510.3, NM_001354895.2, NM_001407450.1); c.3006A>T, p.Glu1002Asp (NM_001127511.3); c.3114A>T, p.Glu1038Asp (NM_001354896.2, NM_001407447.1, NM_001407448.1 and 1 more transcripts); c.3090A>T, p.Glu1030Asp (NM_001354897.2); c.2985A>T, p.Glu995Asp (NM_001354898.2); c.2976A>T, p.Glu992Asp (NM_001354899.2); c.2937A>T, p.Glu979Asp (NM_001354900.2); c.2883A>T, p.Glu961Asp (NM_001354901.2, NM_001407453.1); and 11 more; short protein forms E1010D, E737D, E1002D, E1013D, E1030D, E1048D, E891D, E894D.
Identifiers: ClinVar variation 1799369 (VCV001799369.3), dbSNP rs1057522595, ClinGen allele CA16028036.
Genomic context (GRCh38, chr5:112,838,654, plus strand): 5'-CCCAGCCGACCTAGCCCATAAAATACATAGTGCAAATCATATGGATGATAATGATGGAGA[A>T]CTAGATACACCAATAAATTATAGTCTTAAATATTCAGATGAGCAGTTGAACTCTGGAAGG-3'
Protein context (NP_000029.2, residues 1010-1030): SANHMDDNDG[Glu1020Asp]LDTPINYSLK

ClinVar aggregate classification (germline): Uncertain significance. Review status: criteria provided, multiple submitters, no conflicts (2 of 4 stars). 2 submissions from 2 submitters: Uncertain significance (2). Last evaluated 2025-10-05.

Conditions:
Hereditary cancer-predisposing syndrome. Also called: Neoplastic Syndromes, Hereditary; Tumor predisposition; Hereditary Cancer Syndrome; Hereditary neoplastic syndrome. Identifiers: Orphanet 140162, MedGen C0027672, MeSH D009386, MONDO:0015356.
Familial adenomatous polyposis 1 (FAP1). Also called: POLYPOSIS, ADENOMATOUS INTESTINAL; FAMILIAL ADENOMATOUS POLYPOSIS 1, ATTENUATED. Identifiers: MedGen C2713442, MONDO:0021056, OMIM 175100. Disease mechanism: loss of function.

Submissions (2):

Labcorp Genetics (formerly Invitae), Labcorp
Classification: Uncertain significance for Familial adenomatous polyposis 1. Last evaluated: 2025-10-05. Review status: criteria provided, single submitter. Criteria: Invitae Variant Classification Sherloc (09022015). Collection method: clinical testing. Allele origin: germline.
Comment: This sequence change replaces glutamic acid, which is acidic and polar, with aspartic acid, which is acidic and polar, at codon 1020 of the APC protein (p.Glu1020Asp). This variant is not present in population databases (gnomAD no frequency). This variant has not been reported in the literature in individuals affected with APC-related conditions. ClinVar contains an entry for this variant (Variation ID: 1799369). Invitae Evidence Modeling of protein sequence and biophysical properties (such as structural, functional, and spatial information, amino acid conservation, physicochemical variation, residue mobility, and thermodynamic stability) indicates that this missense variant is not expected to disrupt APC protein function with a negative predictive value of 95%. In summary, the available evidence is currently insufficient to determine the role of this variant in disease. Therefore, it has been classified as a Variant of Uncertain Significance.

Ambry Genetics
Classification: Uncertain significance for Hereditary cancer-predisposing syndrome. Last evaluated: 2022-10-28. Review status: criteria provided, single submitter. Criteria: Ambry Variant Classification Scheme 2023. Collection method: clinical testing. Allele origin: germline.
Comment: The p.E1020D variant (also known as c.3060A>T), located in coding exon 15 of the APC gene, results from an A to T substitution at nucleotide position 3060. The glutamic acid at codon 1020 is replaced by aspartic acid, an amino acid with highly similar properties. This amino acid position is highly conserved in available vertebrate species. In addition, in silico predictors for this gene do not accurately predict pathogenicity. Since supporting evidence is limited at this time, the clinical significance of this alteration remains unclear.